The following is an entry in ClinVar:

NM_022124.6(CDH23):c.6344del (p.Arg2115fs)

Gene: CDH23 (cadherin related 23; plus strand). Cytogenetic location: 10q22.1.
Variant type: Deletion.
Coding change: c.6344del on transcript NM_022124.6 (MANE Select); coding-DNA position 6344, one base deleted (G; older notation c.6344delG).
Protein change: p.Arg2115fs; shifts the reading frame from arginine 2115.
Molecular consequence: frameshift variant.
Genome position (GRCh38, 1-based): chr10:71,793,272, G deleted. VCF-style (leftmost placement, unchanged base first): chr10-71793271-CG-C. GRCh37 (hg19) VCF-style: chr10-73553028-CG-C.
Other names: short protein forms R2115fs.
Identifiers: ClinVar variation 654212 (VCV000654212.8), dbSNP rs1589424694, ClinGen allele CA915945955.
Genomic context (GRCh38, chr10:71,793,271, plus strand): 5'-GATGAGGACAGTGGCCTCAATGGGGAGCTGGTCTACCGAATAGAAGCTGGGGCTCAGGAC[CG>C]CTTCCTCATTCATCTGGTCACCGGGGTCATCCGTGTTGGTAATGCCACCATCGACAGAGA-3'

ClinVar aggregate classification (germline): Pathogenic/Likely pathogenic. Review status: criteria provided, multiple submitters, no conflicts (2 of 4 stars). 3 submissions from 3 submitters: Pathogenic (1); Likely pathogenic (2). Last evaluated 2024-07-16.

Conditions:
Pituitary adenoma 5, multiple types. Identifiers: MedGen C4539685, MONDO:0054601, OMIM 617540.
Usher syndrome type 1 (USH1). Also called: RETINITIS PIGMENTOSA AND CONGENITAL DEAFNESS. Identifiers: Orphanet 231169, Orphanet 886, MedGen C1568247, MONDO:0010168, OMIM 276900.

Allele frequency attached by ClinVar (database versions not stated): gnomAD exomes below 0.00001.

Submissions (3):

Natera, Inc.
Classification: Likely pathogenic for Usher syndrome type 1. Last evaluated: 2024-07-16. Review status: criteria provided, single submitter. Criteria: Natera Variant Classification Schema (03/2026). Collection method: clinical testing. Allele origin: germline.
Comment: The c.6344del variant in CDH23 is a frameshift variant predicted to shift the reading frame beginning at codon 2115 and leads to a stop codon 28 codons downstream. This variant is expected to result in nonsense mediated decay, truncation, or a dysfunctional protein product. This variant is rare in the general population with a frequency below the threshold expected for the associated phenotype(s). Given the available evidence, this variant is classified as Likely Pathogenic.

Baylor Genetics
Classification: Likely pathogenic for Pituitary adenoma 5, multiple types. Last evaluated: 2021-11-22. Review status: criteria provided, single submitter. Criteria: ACMG Guidelines, 2015. Collection method: clinical testing. Allele origin: unknown.

Labcorp Genetics (formerly Invitae), Labcorp
Classification: Pathogenic. Last evaluated: 2020-06-06. Review status: criteria provided, single submitter. Criteria: Invitae Variant Classification Sherloc (09022015). Collection method: clinical testing. Allele origin: germline.
Comment: For these reasons, this variant has been classified as Pathogenic. Loss-of-function variants in CDH23 are known to be pathogenic (PMID: 11138009, 21940737). This variant has not been reported in the literature in individuals with CDH23-related conditions. ClinVar contains an entry for this variant (Variation ID: 654212). This variant is not present in population databases (ExAC no frequency). This sequence change creates a premature translational stop signal (p.Arg2115Profs*28) in the CDH23 gene. It is expected to result in an absent or disrupted protein product.

Literature cited by the submitters: PubMed 11138009 (cited by Labcorp Genetics (formerly Invitae), Labcorp); PubMed 21940737 (cited by Labcorp Genetics (formerly Invitae), Labcorp).